The following is an entry in ClinVar:

NM_000059.4(BRCA2):c.8588A>T (p.Glu2863Val)

Gene: BRCA2 (BRCA2 DNA repair associated; plus strand). Cytogenetic location: 13q13.1.
Variant type: single nucleotide variant.
Coding change: c.8588A>T on transcript NM_000059.4 (MANE Select); coding-DNA position 8588, A replaced by T.
Protein change: p.Glu2863Val; replaces glutamic acid 2863 with valine.
Molecular consequence: missense variant.
Genome position (GRCh38, 1-based): chr13:32,371,056, A>T. VCF-style: chr13-32371056-A-T. GRCh37 (hg19) VCF-style: chr13-32945193-A-T.
Other names: short protein forms E2863V.
Identifiers: ClinVar variation 1035426 (VCV001035426.7), dbSNP rs2072830364, ClinGen allele CA387752855.

ClinVar aggregate classification (germline): Uncertain significance (1 of 4 stars; one submission).

Conditions:
Hereditary breast ovarian cancer syndrome. Also called: Hereditary breast and ovarian cancer syndrome; Hereditary breast and/or ovarian cancer syndrome; Hereditary breast and ovarian cancer; Hereditary breast and ovarian cancer syndrome (HBOC); Breast and ovarian cancer; BRCA1- and BRCA2-Associated Hereditary Breast and Ovarian Cancer. Identifiers: Orphanet 145, MedGen C0677776, MeSH D061325, MONDO:0003582. Disease mechanism: loss of function.

Submission:

Labcorp Genetics (formerly Invitae), Labcorp
Classification: Uncertain significance for Hereditary breast ovarian cancer syndrome. Last evaluated: 2015-06-30. Review status: criteria provided, single submitter. Criteria: Invitae Variant Classification Sherloc (09022015). Collection method: clinical testing. Allele origin: germline.
Comment: Algorithms developed to predict the effect of missense changes on protein structure and function (SIFT, PolyPhen-2, Align-GVGD) all suggest that this variant is likely to be disruptive, but these predictions have not been confirmed by published functional studies. In summary, this is a novel missense change with uncertain impact on protein function. It has been classified as a Variant of Uncertain Significance. This variant has not been published in the literature and is not present in population databases. This sequence change replaces glutamic acid with valine at codon 2863 of the BRCA2 protein (p.Glu2863Val). The glutamic acid residue is highly conserved and there is a moderate physicochemical difference between glutamic acid and valine.